The following is an entry in ClinVar:

ClinVar aggregate classification (germline): Uncertain significance (1 of 4 stars; one submission).

Allele frequency attached by ClinVar (database versions not stated): gnomAD 0.00001; TOPMed 0.00001.
gnomAD v4.1: 1 of 979,290 alleles (0.0001%); highest among the groups gnomAD compares: African/African-American, 0.0018%; no homozygotes.

Submission:

GeneDx
Classification: Uncertain significance. Last evaluated: 2021-07-26. Review status: criteria provided, single submitter. Criteria: GeneDx Variant Classification Process June 2021. Collection method: clinical testing. Allele origin: germline. Affected: yes.
Comment: Located in an alternate transcript of the gene; Has not been previously published as pathogenic or benign to our knowledge; No data available from control populations to assess the frequency of this variant; Intronic +5 splice site variant in a gene for which loss-of-function is a known mechanism of disease, and splice predictors support a deleterious effect, however the adjacent exon 1 is non-coding. In the absence of RNA/functional studies, the actual effect of this sequence change is unknown

NM_001349338.3(FOXP1):c.-447+5G>A

Gene: FOXP1 (forkhead box P1; minus strand). Cytogenetic location: 3p13.
Variant type: single nucleotide variant.
Coding change: c.-447+5G>A on transcript NM_001349338.3 (MANE Select); 5 bases into the intron after 447 bases upstream of the start codon, G replaced by A.
Molecular consequence: intron variant.
Genome position (GRCh38, 1-based): chr3:71,583,566, C>T on the plus strand (G>A on the coding strand, the complement: FOXP1 is on the minus strand). VCF-style: chr3-71583566-C-T. GRCh37 (hg19) VCF-style: chr3-71632717-C-T.
Other names: c.-447+344G>A (NM_001244810.2, NM_032682.6, NM_001012505.2); c.-352+5G>A (NM_001349340.3); c.-447+5G>A (NM_001349341.3, NM_001244808.3).
Identifiers: ClinVar variation 1338917 (VCV001338917.2), dbSNP rs1337469829, ClinGen allele CA910005961.